The following is an entry in ClinVar:

ClinVar aggregate classification (germline): Uncertain significance (1 of 4 stars; one submission).

Submission:

Labcorp Genetics (formerly Invitae), Labcorp
Classification: Uncertain significance. Last evaluated: 2025-12-30. Review status: criteria provided, single submitter. Criteria: Invitae Variant Classification Sherloc (09022015). Collection method: clinical testing. Allele origin: germline.
Comment: This sequence change affects codon 249 of the KCNJ11 mRNA. It is a 'silent' change, meaning that it does not change the encoded amino acid sequence of the KCNJ11 protein. This variant is not present in population databases (gnomAD no frequency). This variant has not been reported in the literature in individuals affected with KCNJ11-related conditions. In summary, the available evidence is currently insufficient to determine the role of this variant in disease. Therefore, it has been classified as a Variant of Uncertain Significance.

NM_000525.4(KCNJ11):c.747C>T (p.Ile249=)

Gene: KCNJ11 (potassium inwardly rectifying channel subfamily J member 11; minus strand). Cytogenetic location: 11p15.1.
Variant type: single nucleotide variant.
Coding change: c.747C>T on transcript NM_000525.4 (MANE Select); coding-DNA position 747, C replaced by T.
Protein change: p.Ile249=; no amino-acid change (isoleucine 249 retained).
Molecular consequence: synonymous variant.
Genome position (GRCh38, 1-based): chr11:17,387,345, G>A on the plus strand (C>T on the coding strand, the complement: KCNJ11 is on the minus strand). VCF-style: chr11-17387345-G-A. GRCh37 (hg19) VCF-style: chr11-17408892-G-A.
Other names: c.486C>T, p.Ile162= (NM_001166290.2, NM_001377296.1, NM_001377297.1).
Identifiers: ClinVar variation 4697053 (VCV004697053.1).